The following is an entry in ClinVar:

NM_000090.4(COL3A1):c.2770G>A (p.Gly924Ser)

Gene: COL3A1 (collagen type III alpha 1 chain; plus strand). Cytogenetic location: 2q32.2.
Variant type: single nucleotide variant.
Coding change: c.2770G>A on transcript NM_000090.4 (MANE Select); coding-DNA position 2770, G replaced by A.
Protein change: p.Gly924Ser; replaces glycine 924 with serine.
Molecular consequence: missense variant.
Genome position (GRCh38, 1-based): chr2:189,004,090, G>A. VCF-style: chr2-189004090-G-A. GRCh37 (hg19) VCF-style: chr2-189868816-G-A.
Identifiers: ClinVar variation 101316 (VCV000101316.5), dbSNP rs587779471, ClinGen allele CA005653.

ClinVar aggregate classification (germline): Pathogenic. Review status: criteria provided, multiple submitters, no conflicts (2 of 4 stars). 3 submissions from 3 submitters: Pathogenic (2). 1 of the submissions does not count toward it. Last evaluated 2025-02-27.

Conditions:
Familial thoracic aortic aneurysm and aortic dissection (TAAD). Also called: Thoracic aortic aneurysms and dissections. Identifiers: Orphanet 91387, MedGen C4707243, MONDO:0019625.
Ehlers-Danlos syndrome, type 4 (EDSVASC). Also called: Ehlers-Danlos syndrome vascular type; Ehlers Danlos syndrome, ecchymotic type; Ehlers Danlos syndrome, arterial type; Ehlers Danlos syndrome, Sack-Barabas type; Ehlers-Danlos Syndrome Type IV. Identifiers: Orphanet 286, MedGen C0268338, MONDO:0017314, OMIM 130050.

Submissions (3):

Labcorp Genetics (formerly Invitae), Labcorp
Classification: Pathogenic for Ehlers-Danlos syndrome, type 4. Last evaluated: 2025-02-27. Review status: criteria provided, single submitter. Criteria: Invitae Variant Classification Sherloc (09022015). Collection method: clinical testing. Allele origin: germline.
Comment: This sequence change replaces glycine, which is neutral and non-polar, with serine, which is neutral and polar, at codon 924 of the COL3A1 protein (p.Gly924Ser). This variant is not present in population databases (gnomAD no frequency). This missense change has been observed in individual(s) with clinical features of COL3A1-related conditions (PMID: 24922459; internal data). ClinVar contains an entry for this variant (Variation ID: 101316). Invitae Evidence Modeling of protein sequence and biophysical properties (such as structural, functional, and spatial information, amino acid conservation, physicochemical variation, residue mobility, and thermodynamic stability) indicates that this missense variant is expected to disrupt COL3A1 protein function with a positive predictive value of 95%. This variant disrupts the triple helix domain of COL3A1. Glycine residues within the Gly-Xaa-Yaa repeats of the triple helix domain are required for the structure and stability of fibrillar collagens (PMID: 7695699, 8218237, 19344236). In COL3A1, variants that affect these glycine residues are significantly enriched in individuals with disease (PMID: 24922459, 25758994) compared to the general population (ExAC). For these reasons, this variant has been classified as Pathogenic.

Ambry Genetics
Classification: Pathogenic for Familial thoracic aortic aneurysm and aortic dissection. Last evaluated: 2021-07-03. Review status: criteria provided, single submitter. Criteria: Ambry Variant Classification Scheme 2023. Collection method: clinical testing. Allele origin: germline.
Comment: The p.G924S pathogenic mutation (also known as c.2770G>A), located in coding exon 39 of the COL3A1 gene, results from a G to A substitution at nucleotide position 2770. The glycine at codon 924 is replaced by serine, an amino acid with similar properties. The majority (approximately two-thirds) of COL3A1 mutations identified to date have involved the substitution of another amino acid for glycine within the triple-helical domain (Pepin MG et al. Genet Med. 2014;16(12):881-8; Frank M et al. Eur J Hum Genet. 2015;23(12):1657-64). This particular glycine substitution has been reported in individuals with vascular Ehlers-Danlos syndrome (Ambry internal data; Pepin MG et al. Genet Med, 2014 Dec;16:881-8). Internal structural analysis indicates that this alteration disrupts the characteristic G-X-Y motif in the COL3A1 protein and inserts a bulky side chain into a sterically-constrained region (Bella J et al. Science. 1994;266:75-81; Hohenester E et al. Proc. Natl. Acad. Sci. U.S.A. 2008;105:18273-7; Ambry internal data). This variant is considered to be rare based on population cohorts in the Genome Aggregation Database (gnomAD). In addition, this alteration is predicted to be deleterious by in silico analysis. Based on the supporting evidence, this alteration is interpreted as a disease-causing mutation.

Collagen Diagnostic Laboratory, University of Washington
Classification: Pathogenic for Ehlers-Danlos syndrome, type 4. Review status: no assertion criteria provided. Collection method: clinical testing. Allele origin: germline. Affected: yes. Not counted in ClinVar's aggregate classification.

Literature cited by the submitters: PubMed 24922459 (cited by Labcorp Genetics (formerly Invitae), Labcorp and Ambry Genetics); PubMed 7695699 (cited by Labcorp Genetics (formerly Invitae), Labcorp); PubMed 8218237 (cited by Labcorp Genetics (formerly Invitae), Labcorp); PubMed 19344236 (cited by Labcorp Genetics (formerly Invitae), Labcorp); PubMed 25758994 (cited by Labcorp Genetics (formerly Invitae), Labcorp).